The following is an entry in ClinVar:

NM_000090.4(COL3A1):c.1051-1G>C

Gene: COL3A1 (collagen type III alpha 1 chain; plus strand). Cytogenetic location: 2q32.2.
Variant type: single nucleotide variant.
Coding change: c.1051-1G>C on transcript NM_000090.4 (MANE Select); the canonical splice acceptor site of the intron before coding-DNA position 1051, G replaced by C.
Molecular consequence: splice acceptor variant.
Genome position (GRCh38, 1-based): chr2:188,993,360, G>C. VCF-style: chr2-188993360-G-C. GRCh37 (hg19) VCF-style: chr2-189858086-G-C.
Identifiers: ClinVar variation 1300492 (VCV001300492.5), dbSNP rs866316633, ClinGen allele CA349850759.
Genomic context (GRCh38, chr2:188,993,360, plus strand): 5'-TGAAGTGGCTAAGTGAGTAGAAGTGGTAAGAGAAACTGACTACACAAGGTTTTACCATTA[G>C]GGTGAAGTTGGACCTGCAGGGTCTCCTGGTTCAAATGGTGCCCCTGGACAAAGAGGAGAA-3'

ClinVar aggregate classification (germline): Likely pathogenic. Review status: criteria provided, multiple submitters, no conflicts (2 of 4 stars). 2 submissions from 2 submitters: Likely pathogenic (2). Last evaluated 2024-11-27.

Conditions:
Ehlers-Danlos syndrome, type 4 (EDSVASC). Also called: Ehlers-Danlos syndrome vascular type; Ehlers Danlos syndrome, ecchymotic type; Ehlers Danlos syndrome, arterial type; Ehlers Danlos syndrome, Sack-Barabas type; Ehlers-Danlos Syndrome Type IV. Identifiers: Orphanet 286, MedGen C0268338, MONDO:0017314, OMIM 130050.

Submissions (2):

Labcorp Genetics (formerly Invitae), Labcorp
Classification: Likely pathogenic for Ehlers-Danlos syndrome, type 4. Last evaluated: 2024-11-27. Review status: criteria provided, single submitter. Criteria: Invitae Variant Classification Sherloc (09022015). Collection method: clinical testing. Allele origin: germline.
Comment: This sequence change affects an acceptor splice site in intron 15 of the COL3A1 gene. It is expected to disrupt RNA splicing. Variants that disrupt the donor or acceptor splice site typically lead to a loss of protein function (PMID: 16199547), and loss-of-function variants in COL3A1 are known to be pathogenic (PMID: 24922459). This variant is not present in population databases (gnomAD no frequency). This variant has not been reported in the literature in individuals affected with COL3A1-related conditions. ClinVar contains an entry for this variant (Variation ID: 1300492). Algorithms developed to predict the effect of sequence changes on RNA splicing suggest that this variant may disrupt the consensus splice site. In summary, the currently available evidence indicates that the variant is pathogenic, but additional data are needed to prove that conclusively. Therefore, this variant has been classified as Likely Pathogenic.

GeneDx
Classification: Likely pathogenic. Last evaluated: 2021-06-23. Review status: criteria provided, single submitter. Criteria: GeneDx Variant Classification Process June 2021. Collection method: clinical testing. Allele origin: germline. Affected: yes.
Comment: Canonical splice site variant expected to result in aberrant splicing, although in the absence of functional evidence the actual effect of this sequence change is unknown.; Not observed at significant frequency in large population cohorts (Lek et al., 2016); Aberrant splicing of coding exons of this gene are a known mechanism of disease (Stenson et al., 2014); Has not been previously published as pathogenic or benign to our knowledge; This variant is associated with the following publications: (PMID: 24077912, 27535533)

Literature cited by the submitters: PubMed 16199547 (cited by Labcorp Genetics (formerly Invitae), Labcorp); PubMed 24922459 (cited by Labcorp Genetics (formerly Invitae), Labcorp).